The following is an entry in ClinVar:

NM_000059.4(BRCA2):c.9932C>G (p.Pro3311Arg)

Gene: BRCA2 (BRCA2 DNA repair associated; plus strand). Cytogenetic location: 13q13.1.
Variant type: single nucleotide variant.
Coding change: c.9932C>G on transcript NM_000059.4 (MANE Select); coding-DNA position 9932, C replaced by G.
Protein change: p.Pro3311Arg; replaces proline 3311 with arginine.
Molecular consequence: missense variant.
Genome position (GRCh38, 1-based): chr13:32,398,445, C>G. VCF-style: chr13-32398445-C-G. GRCh37 (hg19) VCF-style: chr13-32972582-C-G.
Other names: short protein forms P3311R.
Identifiers: ClinVar variation 422440 (VCV000422440.2), dbSNP rs1060502416, ClinGen allele CA16619799.
Genomic context (GRCh38, chr13:32,398,445, plus strand): 5'-CTCCGGCTGCACAGAAGGCATTTCAGCCACCAAGGAGTTGTGGCACCAAATACGAAACAC[C>G]CATAAAGAAAAAAGAACTGAATTCTCCTCAGATGACTCCATTTAAAAAATTCAATGAAAT-3'
Protein context (NP_000050.3, residues 3301-3321): PRSCGTKYET[Pro3311Arg]IKKKELNSPQ

ClinVar aggregate classification (germline): Uncertain significance (1 of 4 stars; one submission).

Submission:

GeneDx
Classification: Uncertain significance. Last evaluated: 2016-10-04. Review status: criteria provided, single submitter. Criteria: GeneDx Variant Classification (06012015). Collection method: clinical testing. Allele origin: germline. Affected: yes.
Comment: This variant is denoted BRCA2 c.9932C>G at the cDNA level, p.Pro3311Arg (P3311R) at the protein level, and results in the change of a Proline to an Arginine (CCC>CGC). Using alternate nomenclature, this variant would be defined as BRCA2 10160C>G. This variant has not, to our knowledge, been published in the literature as pathogenic or benign. BRCA2 Pro3311Arg was not observed in approximately 6,500 individuals of European and African American ancestry in the NHLBI Exome Sequencing Project, suggesting it is not a common benign variant in these populations. Since Proline and Arginine differ in polarity, charge, size or other properties, this is considered a non-conservative amino acid substitution. BRCA2 Pro3311Arg occurs at a position that is not conserved and is located in the NLS2 domain (Borg 2010). In silico analyses are inconsistent regarding the effect this variant may have on protein structure and function. Based on currently available evidence, it is unclear whether BRCA2 Pro3311Arg is a pathogenic or benign variant. We consider it to be a variant of uncertain significance.